The following is an entry in ClinVar:

NM_000222.3(KIT):c.102G>A (p.Pro34=)

Gene: KIT (KIT proto-oncogene, receptor tyrosine kinase; plus strand). Cytogenetic location: 4q12.
Variant type: single nucleotide variant.
Coding change: c.102G>A on transcript NM_000222.3 (MANE Select); coding-DNA position 102, G replaced by A.
Protein change: p.Pro34=; no amino-acid change (proline 34 retained).
Molecular consequence: synonymous variant.
Genome position (GRCh38, 1-based): chr4:54,695,546, G>A. VCF-style: chr4-54695546-G-A. GRCh37 (hg19) VCF-style: chr4-55561712-G-A.
Other names: c.102G>A, p.Pro34= (NM_001093772.2, NM_001385284.1, NM_001385285.1 and 4 more transcripts).
Identifiers: ClinVar variation 237232 (VCV000237232.15), dbSNP rs757725466, ClinGen allele CA2923157.

ClinVar aggregate classification (germline): Benign/Likely benign. Review status: criteria provided, multiple submitters, no conflicts (2 of 4 stars). 3 submissions from 3 submitters: Benign (1); Likely benign (2). Last evaluated 2026-06-02.

Conditions:
Hereditary cancer-predisposing syndrome. Also called: Neoplastic Syndromes, Hereditary; Hereditary neoplastic syndrome; Hereditary Cancer Syndrome; Tumor predisposition. Identifiers: Orphanet 140162, MedGen C0027672, MeSH D009386, MONDO:0015356.
Gastrointestinal stromal tumor. Also called: Gastrointestinal stromal tumor, somatic; Gastrointestinal stroma tumor. Identifiers: Orphanet 44890, MedGen C0238198, MeSH D046152, MONDO:0011719, OMIM 606764, HP:0100723.

Allele frequency attached by ClinVar (database versions not stated): gnomAD 0.00001; gnomAD exomes 0.00001 and 0.00002; ExAC 0.00001; TOPMed 0.00003.
gnomAD v4.1: 27 of 1,614,020 alleles (0.0017%); highest among the groups gnomAD compares: East Asian, 0.0045%; no homozygotes.

Submissions (3):

Myriad Genetics, Inc.
Classification: Benign for Gastrointestinal stromal tumor. Last evaluated: 2026-06-02. Review status: criteria provided, single submitter. Criteria: Myriad Autosomal Dominant, Autosomal Recessive and X-Linked Classification Criteria (2023). Collection method: clinical testing. Allele origin: unknown.
Comment: This variant is considered benign. This variant is a silent/synonymous amino acid change and it is not expected to impact splicing.

Labcorp Genetics (formerly Invitae), Labcorp
Classification: Likely benign for Gastrointestinal stromal tumor. Last evaluated: 2026-01-04. Review status: criteria provided, single submitter. Criteria: Invitae Variant Classification Sherloc (09022015). Collection method: clinical testing. Allele origin: germline.

Ambry Genetics
Classification: Likely benign for Hereditary cancer-predisposing syndrome. Last evaluated: 2022-03-23. Review status: criteria provided, single submitter. Criteria: Ambry Variant Classification Scheme 2023. Collection method: clinical testing. Allele origin: germline.